The following is an entry in ClinVar:

ClinVar aggregate classification (germline): Uncertain significance (1 of 4 stars; one submission).

Submission:

Ambry Genetics
Classification: Uncertain significance. Last evaluated: 2021-08-21. Review status: criteria provided, single submitter. Criteria: Ambry Variant Classification Scheme 2023. Collection method: clinical testing. Allele origin: germline.
Comment: The p.G73E variant (also known as c.218G>A), located in coding exon 2 of the BUB3 gene, results from a G to A substitution at nucleotide position 218. The glycine at codon 73 is replaced by glutamic acid, an amino acid with similar properties. This amino acid position is conserved. In addition, this alteration is predicted to be deleterious by in silico analysis. Since supporting evidence is limited at this time, the clinical significance of this alteration remains unclear.

NM_004725.4(BUB3):c.218G>A (p.Gly73Glu)

Gene: BUB3 (BUB3 mitotic checkpoint protein; plus strand). Cytogenetic location: 10q26.13.
Variant type: single nucleotide variant.
Coding change: c.218G>A on transcript NM_004725.4 (MANE Select); coding-DNA position 218, G replaced by A.
Protein change: p.Gly73Glu; replaces glycine 73 with glutamic acid.
Molecular consequence: missense variant.
Genome position (GRCh38, 1-based): chr10:123,155,680, G>A. VCF-style: chr10-123155680-G-A. GRCh37 (hg19) VCF-style: chr10-124915196-G-A.
Other names: c.218G>A, p.Gly73Glu (NM_001007793.3); short protein forms G73E.
Identifiers: ClinVar variation 1787399 (VCV001787399.2), dbSNP rs2493756699, ClinGen allele CA378625202.